The following is an entry in ClinVar:

NM_000057.4(BLM):c.2200G>A (p.Ala734Thr)

Gene: BLM (BLM RecQ like helicase; plus strand). Cytogenetic location: 15q26.1.
Variant type: single nucleotide variant.
Coding change: c.2200G>A on transcript NM_000057.4 (MANE Select); coding-DNA position 2200, G replaced by A.
Protein change: p.Ala734Thr; replaces alanine 734 with threonine.
Molecular consequence: missense variant.
Genome position (GRCh38, 1-based): chr15:90,766,916, G>A. VCF-style: chr15-90766916-G-A. GRCh37 (hg19) VCF-style: chr15-91310146-G-A.
Other names: c.2200G>A, p.Ala734Thr (NM_001287246.2, NM_001287247.2); c.1075G>A, p.Ala359Thr (NM_001287248.2); c.2200G>A (NM_000057.2); short protein forms A359T, A734T.
Identifiers: ClinVar variation 859494 (VCV000859494.14), dbSNP rs1301298294, ClinGen allele CA393844777.

ClinVar aggregate classification (germline): Uncertain significance. Review status: criteria provided, multiple submitters, no conflicts (2 of 4 stars). 3 submissions from 3 submitters: Uncertain significance (2). 1 of the submissions does not count toward it. Last evaluated 2024-04-17.

Conditions:
Hereditary cancer-predisposing syndrome. Also called: Tumor predisposition; Hereditary neoplastic syndrome; Neoplastic Syndromes, Hereditary; Hereditary Cancer Syndrome. Identifiers: Orphanet 140162, MedGen C0027672, MeSH D009386, MONDO:0015356.
Bloom syndrome (BLM). Also called: Bloom-Torre-Machacek syndrome. Identifiers: Orphanet 125, MedGen C0005859, MONDO:0008876, OMIM 210900.

Submissions (3):

Ambry Genetics
Classification: Uncertain significance for Hereditary cancer-predisposing syndrome. Last evaluated: 2024-04-17. Review status: criteria provided, single submitter. Criteria: Ambry Variant Classification Scheme 2023. Collection method: clinical testing. Allele origin: germline.
Comment: The p.A734T variant (also known as c.2200G>A), located in coding exon 9 of the BLM gene, results from a G to A substitution at nucleotide position 2200. The alanine at codon 734 is replaced by threonine, an amino acid with similar properties. This amino acid position is conserved. In addition, the in silico prediction for this alteration is inconclusive. Based on the available evidence, the clinical significance of this variant remains unclear.

Labcorp Genetics (formerly Invitae), Labcorp
Classification: Uncertain significance for Bloom syndrome. Last evaluated: 2022-10-24. Review status: criteria provided, single submitter. Criteria: Invitae Variant Classification Sherloc (09022015). Collection method: clinical testing. Allele origin: germline.
Comment: In summary, the available evidence is currently insufficient to determine the role of this variant in disease. Therefore, it has been classified as a Variant of Uncertain Significance. Algorithms developed to predict the effect of sequence changes on RNA splicing suggest that this variant may create or strengthen a splice site. Advanced modeling of protein sequence and biophysical properties (such as structural, functional, and spatial information, amino acid conservation, physicochemical variation, residue mobility, and thermodynamic stability) performed at Invitae indicates that this missense variant is not expected to disrupt BLM protein function. ClinVar contains an entry for this variant (Variation ID: 859494). This variant has not been reported in the literature in individuals affected with BLM-related conditions. This variant is not present in population databases (gnomAD no frequency). This sequence change replaces alanine, which is neutral and non-polar, with threonine, which is neutral and polar, at codon 734 of the BLM protein (p.Ala734Thr).

Natera, Inc.
Classification: Uncertain significance for Bloom syndrome. Last evaluated: 2021-08-19. Review status: no assertion criteria provided. Collection method: clinical testing. Allele origin: germline. Not counted in ClinVar's aggregate classification.